The following is an entry in ClinVar:

ClinVar aggregate classification (germline): Uncertain significance (1 of 4 stars; one submission).

Conditions:
Primary familial hypertrophic cardiomyopathy (HCM). Identifiers: Orphanet 99739, MedGen C0949658, MeSH D024741, MONDO:0024573. Inheritance: Various modes of inheritance.
Dilated cardiomyopathy 1AA (CMD1AA). Also called: CARDIOMYOPATHY, DILATED, 1AA, WITH OR WITHOUT LEFT VENTRICULAR NONCOMPACTION; CARDIOMYOPATHY, FAMILIAL HYPERTROPHIC, 23, WITH OR WITHOUT LEFT VENTRICULAR NONCOMPACTION; Cardiomyopathy, dilated, 1AA, with or without LVNC. Identifiers: Orphanet 154, MedGen C2677338, MONDO:0012808, OMIM 612158.

Submission:

Labcorp Genetics (formerly Invitae), Labcorp
Classification: Uncertain significance for Primary familial hypertrophic cardiomyopathy; Dilated cardiomyopathy 1AA. Last evaluated: 2023-06-27. Review status: criteria provided, single submitter. Criteria: Invitae Variant Classification Sherloc (09022015). Collection method: clinical testing. Allele origin: germline.
Comment: This variant has not been reported in the literature in individuals affected with ACTN2-related conditions. In summary, the available evidence is currently insufficient to determine the role of this variant in disease. Therefore, it has been classified as a Variant of Uncertain Significance. Variants that disrupt the consensus splice site are a relatively common cause of aberrant splicing (PMID: 17576681, 9536098). Algorithms developed to predict the effect of sequence changes on RNA splicing suggest that this variant may disrupt the consensus splice site. This variant is not present in population databases (gnomAD no frequency). This sequence change falls in intron 14 of the ACTN2 gene. It does not directly change the encoded amino acid sequence of the ACTN2 protein. It affects a nucleotide within the consensus splice site.

Literature cited by the submitters: PubMed 17576681; PubMed 9536098.

NM_001103.4(ACTN2):c.1656+3A>G

Gene: ACTN2 (actinin alpha 2; plus strand). Cytogenetic location: 1q43.
Variant type: single nucleotide variant.
Coding change: c.1656+3A>G on transcript NM_001103.4 (MANE Select); 3 bases into the intron after coding-DNA position 1656, A replaced by G.
Molecular consequence: intron variant.
Genome position (GRCh38, 1-based): chr1:236,749,267, A>G. VCF-style: chr1-236749267-A-G. GRCh37 (hg19) VCF-style: chr1-236912567-A-G.
Other names: c.1656+3A>G (NM_001278343.2).
Identifiers: ClinVar variation 2949347 (VCV002949347.3), dbSNP rs2527628261, ClinGen allele CA2740092638.
Genomic context (GRCh38, chr1:236,749,267, plus strand): 5'-GGGCGCTATGGAGGATCTGCAAGATATGTTCATTGTCCACAGCATTGAGGAGATCCAGGT[A>G]ATGGAACCGCAACTCTGTATGCCCTATGCATTAGAAGTGAGTTGTCATTTAAACTTAAGA-3'